The following is an entry in ClinVar:

ClinVar aggregate classification (germline): Uncertain significance. Review status: criteria provided, multiple submitters, no conflicts (2 of 4 stars). 2 submissions from 2 submitters: Uncertain significance (2). Last evaluated 2023-10-28.

Conditions:
Progressive familial heart block type IB (PFHB1B). Identifiers: Orphanet 871, MedGen C1970298, MONDO:0011474, OMIM 604559.

Submissions (2):

Labcorp Genetics (formerly Invitae), Labcorp
Classification: Uncertain significance for Progressive familial heart block type IB. Last evaluated: 2023-10-28. Review status: criteria provided, single submitter. Criteria: Invitae Variant Classification Sherloc (09022015). Collection method: clinical testing. Allele origin: germline.
Comment: This sequence change replaces phenylalanine, which is neutral and non-polar, with valine, which is neutral and non-polar, at codon 90 of the TRPM4 protein (p.Phe90Val). This variant is not present in population databases (gnomAD no frequency). This variant has not been reported in the literature in individuals affected with TRPM4-related conditions. An algorithm developed to predict the effect of missense changes on protein structure and function (PolyPhen-2) suggests that this variant is likely to be disruptive. In summary, the available evidence is currently insufficient to determine the role of this variant in disease. Therefore, it has been classified as a Variant of Uncertain Significance.

GeneDx
Classification: Uncertain significance. Last evaluated: 2023-06-14. Review status: criteria provided, single submitter. Criteria: GeneDx Variant Classification Process June 2021. Collection method: clinical testing. Allele origin: germline. Affected: yes.
Comment: Not observed at significant frequency in large population cohorts (gnomAD); In silico analysis supports that this missense variant has a deleterious effect on protein structure/function; Has not been previously published as pathogenic or benign to our knowledge

NM_017636.4(TRPM4):c.268T>G (p.Phe90Val)

Gene: TRPM4 (transient receptor potential cation channel subfamily M member 4; plus strand). Cytogenetic location: 19q13.33.
Variant type: single nucleotide variant.
Coding change: c.268T>G on transcript NM_017636.4 (MANE Select); coding-DNA position 268, T replaced by G.
Protein change: p.Phe90Val; replaces phenylalanine 90 with valine.
Molecular consequence: missense variant. On other transcripts: intron variant (4).
Genome position (GRCh38, 1-based): chr19:49,167,917, T>G. VCF-style: chr19-49167917-T-G. GRCh37 (hg19) VCF-style: chr19-49671174-T-G.
Other names: c.268T>G (NM_017636.3); c.268T>G, p.Phe90Val (NM_001195227.2); c.-1105-343T>G (NM_001321282.2); c.268-636T>G (NM_001321281.2); c.-74-343T>G (NM_001321283.2); c.-237-636T>G (NM_001321285.2); short protein forms F90V.
Identifiers: ClinVar variation 2917516 (VCV002917516.4), dbSNP rs2514056082, ClinGen allele CA406789875.